The following is an entry in ClinVar:

NM_004281.4(BAG3):c.1408C>T (p.Pro470Ser)

Gene: BAG3 (BAG cochaperone 3; plus strand). Cytogenetic location: 10q26.11.
Variant type: single nucleotide variant.
Coding change: c.1408C>T on transcript NM_004281.4 (MANE Select); coding-DNA position 1408, C replaced by T.
Protein change: p.Pro470Ser; replaces proline 470 with serine.
Molecular consequence: missense variant.
Genome position (GRCh38, 1-based): chr10:119,676,962, C>T. VCF-style: chr10-119676962-C-T. GRCh37 (hg19) VCF-style: chr10-121436474-C-T.
Other names: short protein forms P470S.
Identifiers: ClinVar variation 843736 (VCV000843736.10), dbSNP rs756020699, ClinGen allele CA378297262.
Genomic context (GRCh38, chr10:119,676,962, plus strand): 5'-AAGTACCTGATGATCGAAGAGTATTTGACCAAAGAGCTGCTGGCCCTGGATTCAGTGGAC[C>T]CCGAGGGACGAGCCGATGTGCGTCAGGCCAGGAGAGACGGTGTCAGGAAGGTTCAGACCA-3'
Protein context (NP_004272.2, residues 460-480): KELLALDSVD[Pro470Ser]EGRADVRQAR

ClinVar aggregate classification (germline): Pathogenic. Review status: criteria provided, multiple submitters, no conflicts (2 of 4 stars). 4 submissions from 4 submitters: Pathogenic (3). 1 of the submissions does not count toward it. Last evaluated 2025-11-03.

Conditions:
Myofibrillar myopathy 6. Identifiers: Orphanet 199340, MedGen C2751831, MONDO:0013061, OMIM 612954.
Dilated cardiomyopathy 1HH (CMD1HH). Identifiers: Orphanet 154, MedGen C3151293, MONDO:0013479, OMIM 613881.

Submissions (4):

Labcorp Genetics (formerly Invitae), Labcorp
Classification: Pathogenic for Dilated cardiomyopathy 1HH; Myofibrillar myopathy 6. Last evaluated: 2025-11-03. Review status: criteria provided, single submitter. Criteria: Invitae Variant Classification Sherloc (09022015). Collection method: clinical testing. Allele origin: germline.
Comment: This sequence change replaces proline, which is neutral and non-polar, with serine, which is neutral and polar, at codon 470 of the BAG3 protein (p.Pro470Ser). This variant is not present in population databases (gnomAD no frequency). This missense change has been observed in individual(s) with myofibrillar myopathy (PMID: 30559338, 32859500). In at least one individual the variant was observed to be de novo. ClinVar contains an entry for this variant (Variation ID: 843736). Invitae Evidence Modeling of protein sequence and biophysical properties (such as structural, functional, and spatial information, amino acid conservation, physicochemical variation, residue mobility, and thermodynamic stability) indicates that this missense variant is expected to disrupt BAG3 protein function with a positive predictive value of 80%. Experimental studies have shown that this missense change affects BAG3 function (PMID: 30559338). For these reasons, this variant has been classified as Pathogenic.

Women's Health and Genetics/Laboratory Corporation of America, LabCorp
Classification: Pathogenic for Myofibrillar myopathy 6. Last evaluated: 2025-01-15. Review status: criteria provided, single submitter. Criteria: LabCorp Variant Classification Summary - May 2015. Collection method: clinical testing. Allele origin: germline.
Comment: Variant summary: BAG3 c.1408C>T (p.Pro470Ser) results in a non-conservative amino acid change located in the BCL2-ASSOCIATED ATHANOGENE (IPR039773) of the encoded protein sequence. Five of five in-silico tools predict a damaging effect of the variant on protein function. The variant was absent in 251310 control chromosomes. c.1408C>T has been reported in the literature in individuals affected with Myofibrillar myopathy 6 (Hamaguchi_2020, Meister-Broekema_2018) and was listed as de novo in one individual. These data indicate that the variant is likely to be associated with disease. To our knowledge, no experimental evidence demonstrating an impact on protein function has been reported. The following publications have been ascertained in the context of this evaluation (PMID: 32859500, 30559338). ClinVar contains an entry for this variant (Variation ID: 843736). Based on the evidence outlined above, the variant was classified as pathogenic.

Neuberg Centre For Genomic Medicine, NCGM
Classification: Pathogenic for Myofibrillar myopathy 6. Review status: criteria provided, single submitter. Criteria: ACMG Guidelines, 2015. Collection method: clinical testing. Allele origin: germline. Inheritance: Autosomal dominant inheritance. Affected: yes.
Comment: The missense variant c.1408C>T (p.Pro470Ser) in BAG3 gene has been observed in individual(s) with myofibrillar myopathy (MeisterBroekema M at al.). Experimental studies have shown that this missense affect BAG3 protein function (Meister-Broekema M at al.).The p.Pro470Ser variant is novel (not in any individuals) in gnomAD exomes and 1000 Genomes. The amino acid Pro at position 470 is changed to a Ser changing protein sequence and it might alter its composition and physico-chemical properties. This variant has been reported to the ClinVar database as Likely Pathogenic. The amino acid change p.Pro470Ser in BAG3 is predicted as conserved by GERP++ and PhyloP across 100 vertebrates. For these reasons, this variant has been classified as Pathogenic.

OMIM
Classification: Pathogenic for MYOPATHY, MYOFIBRILLAR, 6. Last evaluated: 2025-02-10. Review status: no assertion criteria provided. Collection method: literature only. Allele origin: germline. Not counted in ClinVar's aggregate classification.

Literature cited by the submitters: PubMed 30559338 (cited by Labcorp Genetics (formerly Invitae), Labcorp and Women's Health and Genetics/Laboratory Corporation of America, LabCorp); PubMed 32859500 (cited by 3 submitters).